The following is an entry in ClinVar:

NM_001609.4(ACADSB):c.*1972C>A

Gene: ACADSB (acyl-CoA dehydrogenase short/branched chain; plus strand). Cytogenetic location: 10q26.13.
Variant type: single nucleotide variant.
Coding change: c.*1972C>A on transcript NM_001609.4 (MANE Select); 1972 bases downstream of the stop codon, C replaced by A.
Molecular consequence: 3 prime UTR variant.
Genome position (GRCh38, 1-based): chr10:123,055,737, C>A. VCF-style: chr10-123055737-C-A. GRCh37 (hg19) VCF-style: chr10-124815253-C-A.
Other names: c.*1972C>A (NM_001330174.3).
Identifiers: ClinVar variation 299123 (VCV000299123.5), dbSNP rs187582823, ClinGen allele CA10631130.

ClinVar aggregate classification (germline): Benign (1 of 4 stars; one submission).

Conditions:
Deficiency of 2-methylbutyryl-CoA dehydrogenase (ACADSB). Also called: 2-methylbutyryl-CoA dehydrogenase deficiency; SBCAD deficiency; 2-methylbutyric aciduria; Short branched-chain acyl-CoA dehydrogenase deficiency; 2-methylbutyrylglycinuria. Identifiers: Orphanet 79157, MedGen C1864912, MONDO:0012392, OMIM 610006, HP:0020147.

Allele frequency attached by ClinVar (database versions not stated): 1000 Genomes Project 0.00459; 1000 Genomes Project 30x 0.00500; gnomAD 0.00500 and 0.00537; TOPMed 0.00536.

Submission:

Illumina Laboratory Services, Illumina
Classification: Benign for Deficiency of 2-methylbutyryl-CoA dehydrogenase. Last evaluated: 2018-01-13. Review status: criteria provided, single submitter. Criteria: ICSL Variant Classification Criteria 13 December 2019. Collection method: clinical testing. Allele origin: germline.
Comment: This variant was observed in the ICSL laboratory as part of a predisposition screen in an ostensibly healthy population. It had not been previously curated by ICSL or reported in the Human Gene Mutation Database (HGMD: prior to June 1st, 2018), and was therefore a candidate for classification through an automated scoring system. Utilizing variant allele frequency, disease prevalence and penetrance estimates, and inheritance mode, an automated score was calculated to assess if this variant is too frequent to cause the disease. Based on the score and internal cut-off values, a variant classified as benign is not then subjected to further curation. The score for this variant resulted in a classification of benign for this disease.